The following is an entry in ClinVar:

NM_006133.3(DAGLA):c.2319G>A (p.Arg773=)

Gene: DAGLA (diacylglycerol lipase alpha; plus strand). Cytogenetic location: 11q12.2.
Variant type: single nucleotide variant.
Coding change: c.2319G>A on transcript NM_006133.3 (MANE Select); coding-DNA position 2319, G replaced by A.
Protein change: p.Arg773=; no amino-acid change (arginine 773 retained).
Molecular consequence: synonymous variant.
Genome position (GRCh38, 1-based): chr11:61,743,679, G>A. VCF-style: chr11-61743679-G-A. GRCh37 (hg19) VCF-style: chr11-61511151-G-A.
Identifiers: ClinVar variation 4085022 (VCV004085022.8).

ClinVar aggregate classification (germline): Likely benign (1 of 4 stars; one submission).

gnomAD v4.1: 228 of 1,601,250 alleles (0.014%); highest among the groups gnomAD compares: Non-Finnish European, 0.019%; no homozygotes.

Submission:

CeGaT Center for Human Genetics Tuebingen
Classification: Likely benign. Last evaluated: 2025-06-01. Review status: criteria provided, single submitter. Criteria: CeGaT Center For Human Genetics Tuebingen Variant Classification Criteria Version 2. Collection method: clinical testing. Allele origin: germline. Affected: yes. Observed: 1 variant allele.
Comment: DAGLA: BP4, BP7